The following is an entry in ClinVar:

NM_001394062.1(MACF1):c.11065C>T (p.Arg3689Cys)

Gene: MACF1 (microtubule actin crosslinking factor 1; plus strand). Cytogenetic location: 1p34.3.
Variant type: single nucleotide variant.
Coding change: c.11065C>T on transcript NM_001394062.1 (MANE Select); coding-DNA position 11065, C replaced by T.
Protein change: p.Arg3689Cys; replaces arginine 3689 with cysteine.
Molecular consequence: missense variant.
Genome position (GRCh38, 1-based): chr1:39,350,884, C>T. VCF-style: chr1-39350884-C-T. GRCh37 (hg19) VCF-style: chr1-39816556-C-T.
Other names: c.4879C>T, p.Arg1627Cys (NM_012090.5); short protein forms R1627C, R3689C.
Identifiers: ClinVar variation 2876064 (VCV002876064.3), dbSNP rs537533581, ClinGen allele CA781499.

ClinVar aggregate classification (germline): Uncertain significance (1 of 4 stars; one submission).

Allele frequency attached by ClinVar (database versions not stated): gnomAD 0.00003.
gnomAD v4.1: 45 of 1,613,990 alleles (0.0028%); highest among the groups gnomAD compares: African/African-American, 0.0093%; no homozygotes.

Submission:

Labcorp Genetics (formerly Invitae), Labcorp
Classification: Uncertain significance. Last evaluated: 2024-03-04. Review status: criteria provided, single submitter. Criteria: Invitae Variant Classification Sherloc (09022015). Collection method: clinical testing. Allele origin: germline.
Comment: This sequence change replaces arginine, which is basic and polar, with cysteine, which is neutral and slightly polar, at codon 1627 of the MACF1 protein (p.Arg1627Cys). This variant is present in population databases (rs537533581, gnomAD 0.007%). This variant has not been reported in the literature in individuals affected with MACF1-related conditions. An algorithm developed to predict the effect of missense changes on protein structure and function (PolyPhen-2) suggests that this variant is likely to be disruptive. In summary, the available evidence is currently insufficient to determine the role of this variant in disease. Therefore, it has been classified as a Variant of Uncertain Significance.